The following is an entry in ClinVar:

NM_000059.3:c.6842-671_8332-1572dup

Gene: BRCA2 (BRCA2 DNA repair associated; plus strand).
Variant type: Duplication.
Identifiers: ClinVar variation 1755742 (VCV001755742.2).

ClinVar aggregate classification (germline): Pathogenic (1 of 4 stars; one submission).

Conditions:
Hereditary cancer-predisposing syndrome. Also called: Neoplastic Syndromes, Hereditary; Tumor predisposition; Hereditary Cancer Syndrome; Hereditary neoplastic syndrome. Identifiers: Orphanet 140162, MedGen C0027672, MeSH D009386, MONDO:0015356.

Submission:

Ambry Genetics
Classification: Pathogenic for Hereditary cancer-predisposing syndrome. Last evaluated: 2017-02-21. Review status: criteria provided, single submitter. Criteria: Ambry Variant Classification Scheme 2023. Collection method: clinical testing. Allele origin: germline.
Comment: The EX11_17dup gross duplication spans coding exons 11 through 17 in the BRCA2 gene. Additional analysis to determine breakpoints identified that this duplication is in tandem and is predicted to result in a premature truncation causing a translational frameshift with a predicted alternate stop codon (Ambry internal data). As such, this alteration is interpreted as a disease-causing mutation.